The following is an entry in ClinVar:

ClinVar aggregate classification (germline): Uncertain significance (1 of 4 stars; one submission).

Allele frequency attached by ClinVar (database versions not stated): ExAC 0.00001; gnomAD 0.00001; gnomAD exomes 0.00001; TOPMed 0.00003.
gnomAD v4.1: 10 of 1,613,968 alleles (0.00062%); highest among the groups gnomAD compares: Non-Finnish European, 0.00085%; no homozygotes.

Submission:

Labcorp Genetics (formerly Invitae), Labcorp
Classification: Uncertain significance. Last evaluated: 2022-07-25. Review status: criteria provided, single submitter. Criteria: Invitae Variant Classification Sherloc (09022015). Collection method: clinical testing. Allele origin: germline.
Comment: Algorithms developed to predict the effect of missense changes on protein structure and function output the following: SIFT: "Deleterious"; PolyPhen-2: "Benign"; Align-GVGD: "Class C0". The leucine amino acid residue is found in multiple mammalian species, which suggests that this missense change does not adversely affect protein function. In summary, the available evidence is currently insufficient to determine the role of this variant in disease. Therefore, it has been classified as a Variant of Uncertain Significance. This variant has not been reported in the literature in individuals affected with TNFRSF11A-related conditions. This variant is present in population databases (rs763808780, gnomAD 0.002%). This sequence change replaces proline, which is neutral and non-polar, with leucine, which is neutral and non-polar, at codon 33 of the TNFRSF11A protein (p.Pro33Leu).

NM_003839.4(TNFRSF11A):c.98C>T (p.Pro33Leu)

Gene: TNFRSF11A (TNF receptor superfamily member 11a; plus strand). Cytogenetic location: 18q21.33.
Variant type: single nucleotide variant.
Coding change: c.98C>T on transcript NM_003839.4 (MANE Select); coding-DNA position 98, C replaced by T.
Protein change: p.Pro33Leu; replaces proline 33 with leucine.
Molecular consequence: missense variant.
Genome position (GRCh38, 1-based): chr18:62,348,190, C>T. VCF-style: chr18-62348190-C-T. GRCh37 (hg19) VCF-style: chr18-60015423-C-T.
Other names: c.98C>T, p.Pro33Leu (NM_001270949.2, NM_001270950.2, NM_001270951.2 and 1 more transcripts); short protein forms P33L.
Identifiers: ClinVar variation 1967764 (VCV001967764.5), dbSNP rs763808780, ClinGen allele CA8983643.